The following is an entry in ClinVar:

NM_000384.3(APOB):c.8627A>G (p.Lys2876Arg)

Gene: APOB (apolipoprotein B; minus strand). Cytogenetic location: 2p24.1.
Variant type: single nucleotide variant.
Coding change: c.8627A>G on transcript NM_000384.3 (MANE Select); coding-DNA position 8627, A replaced by G.
Protein change: p.Lys2876Arg; replaces lysine 2876 with arginine.
Molecular consequence: missense variant.
Genome position (GRCh38, 1-based): chr2:21,008,241, T>C on the plus strand (A>G on the coding strand, the complement: APOB is on the minus strand). VCF-style: chr2-21008241-T-C. GRCh37 (hg19) VCF-style: chr2-21231113-T-C.
Other names: short protein forms K2876R.
Identifiers: ClinVar variation 5027132 (VCV005027132.1).

ClinVar aggregate classification (germline): Uncertain significance (1 of 4 stars; one submission).

Conditions:
Cardiovascular phenotype. Identifiers: MedGen CN230736.

gnomAD v4.1: 3 of 1,613,994 alleles (0.00019%); highest among the groups gnomAD compares: Admixed American, 0.0033%; no homozygotes.

Submission:

Ambry Genetics
Classification: Uncertain significance for Cardiovascular phenotype. Last evaluated: 2026-07-02. Review status: criteria provided, single submitter. Criteria: Ambry Variant Classification Scheme 2023. Collection method: clinical testing. Allele origin: germline.
Comment: The p.K2876R variant (also known as c.8627A>G), located in coding exon 26 of the APOB gene, results from an A to G substitution at nucleotide position 8627. The lysine at codon 2876 is replaced by arginine, an amino acid with highly similar properties. This amino acid position is conserved. In addition, this alteration is predicted to be tolerated by in silico analysis. Based on the available evidence, the clinical significance of this variant remains unclear.